The following is an entry in ClinVar:

NM_000057.4(BLM):c.2966G>T (p.Cys989Phe)

Gene: BLM (BLM RecQ like helicase; plus strand). Cytogenetic location: 15q26.1.
Variant type: single nucleotide variant.
Coding change: c.2966G>T on transcript NM_000057.4 (MANE Select); coding-DNA position 2966, G replaced by T.
Protein change: p.Cys989Phe; replaces cysteine 989 with phenylalanine.
Molecular consequence: missense variant.
Genome position (GRCh38, 1-based): chr15:90,790,791, G>T. VCF-style: chr15-90790791-G-T. GRCh37 (hg19) VCF-style: chr15-91334021-G-T.
Other names: c.2966G>T, p.Cys989Phe (NM_001287246.2, NM_001287247.2); c.1841G>T, p.Cys614Phe (NM_001287248.2); c.2966G>T (NM_000057.3); short protein forms C989F, C614F.
Identifiers: ClinVar variation 2747527 (VCV002747527.4), dbSNP rs2151184659, ClinGen allele CA393846517.

ClinVar aggregate classification (germline): Uncertain significance. Review status: criteria provided, single submitter (1 of 4 stars). 2 submissions from 2 submitters: Uncertain significance (1). 1 of the submissions does not count toward it. Last evaluated 2023-07-28.

Conditions:
Bloom syndrome (BLM). Also called: Bloom-Torre-Machacek syndrome. Identifiers: Orphanet 125, MedGen C0005859, MONDO:0008876, OMIM 210900.

Allele frequency attached by ClinVar (database versions not stated): gnomAD exomes below 0.00001.
gnomAD v4.1: 1 of 1,614,154 alleles (0.000062%); highest among the groups gnomAD compares: Non-Finnish European, 0.000085%; no homozygotes.

Submissions (2):

Labcorp Genetics (formerly Invitae), Labcorp
Classification: Uncertain significance for Bloom syndrome. Last evaluated: 2023-07-28. Review status: criteria provided, single submitter. Criteria: Invitae Variant Classification Sherloc (09022015). Collection method: clinical testing. Allele origin: germline.
Comment: This sequence change replaces cysteine, which is neutral and slightly polar, with phenylalanine, which is neutral and non-polar, at codon 989 of the BLM protein (p.Cys989Phe). This variant is not present in population databases (gnomAD no frequency). This variant has not been reported in the literature in individuals affected with BLM-related conditions. Advanced modeling of protein sequence and biophysical properties (such as structural, functional, and spatial information, amino acid conservation, physicochemical variation, residue mobility, and thermodynamic stability) performed at Invitae indicates that this missense variant is expected to disrupt BLM protein function. In summary, the available evidence is currently insufficient to determine the role of this variant in disease. Therefore, it has been classified as a Variant of Uncertain Significance.

Natera, Inc.
Classification: Uncertain significance for Bloom syndrome. Last evaluated: 2025-05-30. Review status: no assertion criteria provided. Collection method: clinical testing. Allele origin: germline. Not counted in ClinVar's aggregate classification.